The following is an entry in ClinVar:

ClinVar aggregate classification (germline): Pathogenic/Likely pathogenic. Review status: criteria provided, multiple submitters, no conflicts (2 of 4 stars). 37 submissions from 36 submitters: Pathogenic (28); Likely pathogenic (3). 6 of the submissions do not count toward it. Last evaluated 2026-08-01.

Conditions:
Fetal anomalies with a likely genetic cause.
BTD-related disorder. Also called: BTD-related condition.
Possible mitochondrial disorder - nuclear genes.
Inborn genetic diseases. Identifiers: MedGen C0950123, MeSH D030342.
Biotinidase deficiency. Also called: Biotin deficiency; BTD deficiency; Late-onset biotin-responsive multiple carboxylase deficiency. Identifiers: Orphanet 79241, MedGen C0220754, MONDO:0009665, OMIM 253260.
Intellectual disability. Also called: Intellectual functioning disability; intellectual disabilities; Intellectual developmental disorder. Identifiers: MedGen C3714756, MeSH D008607, MONDO:0001071, HP:0001249.

Allele frequency attached by ClinVar (database versions not stated): ExAC 0.00040; 1000 Genomes Project 0.00020; gnomAD 0.00046; gnomAD exomes 0.00071 and 0.00041; 1000 Genomes Project 30x 0.00016; TOPMed 0.00045.
gnomAD v4.1: 1,090 of 1,614,130 alleles (0.068%); highest among the groups gnomAD compares: Non-Finnish European, 0.088%; no homozygotes.

Submissions 1 to 11 of 37:

CeGaT Center for Human Genetics Tuebingen
Classification: Pathogenic. Last evaluated: 2026-08-01. Review status: criteria provided, single submitter. Criteria: CeGaT Center For Human Genetics Tuebingen Variant Classification Criteria Version 2. Collection method: clinical testing. Allele origin: germline. Affected: yes. Observed: 9 variant alleles.
Comment: BTD: PM3:Very Strong, PM2, PS3:Supporting

Genetics Laboratory, Great Ormond Street Hospital NHS Foundation Trust, North Thames Genomic Laboratory Hub
Classification: Likely pathogenic for Fetal anomalies with a likely genetic cause. Last evaluated: 2026-07-06. Review status: criteria provided, single submitter. Criteria: ACGS Best Practice Guidelines for Variant Classification in Rare Disease 2024 v1.2. Collection method: clinical testing. Allele origin: germline. Affected: yes.
Comment: PM2_moderate, PS3_moderate, PM1_supporting, PM3_moderate

Genetics Laboratory, Great Ormond Street Hospital NHS Foundation Trust, North Thames Genomic Laboratory Hub
Classification: Likely pathogenic for Possible mitochondrial disorder - nuclear genes. Last evaluated: 2026-05-27. Review status: criteria provided, single submitter. Criteria: ACGS Best Practice Guidelines for Variant Classification in Rare Disease 2024 v1.2. Collection method: clinical testing. Allele origin: germline. Affected: yes.
Comment: the same text as in the submission from Genetics Laboratory, Great Ormond Street Hospital NHS Foundation Trust, North Thames Genomic Laboratory Hub above.

PreventionGenetics, part of Exact Sciences
Classification: Pathogenic for BTD-related condition. Last evaluated: 2026-05-08. Review status: criteria provided, single submitter. Criteria: ACMG Guidelines, 2015. Collection method: clinical testing. Allele origin: germline.
Comment: The BTD c.1368A>C variant is predicted to result in the amino acid substitution p.Gln456His. This sequence variant is one of the most commonly reported variants causative for profound biotinidase deficiency (Norrgard et al. 1997. PubMed ID: 9232193; Karaca et al. 2015. PubMed ID: 25754625; Porta et al. 2017. PubMed ID: 28971021). This variant is reported in 0.077% of alleles in individuals of European (Non-Finnish) descent in gnomAD. This variant is interpreted as pathogenic.

Labcorp Genetics (formerly Invitae), Labcorp
Classification: Pathogenic for Biotinidase deficiency. Last evaluated: 2026-01-24. Review status: criteria provided, single submitter. Criteria: Invitae Variant Classification Sherloc (09022015). Collection method: clinical testing. Allele origin: germline.
Comment: This sequence change replaces glutamine, which is neutral and polar, with histidine, which is basic and polar, at codon 456 of the BTD protein (p.Gln456His). This variant is present in population databases (rs80338685, gnomAD 0.08%). This missense change has been observed in individual(s) with BTD-related conditions (PMID: 10400129, 10801053, 11313766, 24797656, 25423671, 26810761, 27329734). ClinVar contains an entry for this variant (Variation ID: 1902). Invitae Evidence Modeling of protein sequence and biophysical properties (such as structural, functional, and spatial information, amino acid conservation, physicochemical variation, residue mobility, and thermodynamic stability) indicates that this missense variant is expected to disrupt BTD protein function with a positive predictive value of 95%. For these reasons, this variant has been classified as Pathogenic.

Variantyx, Inc.
Classification: Pathogenic for Biotinidase deficiency. Last evaluated: 2025-12-27. Review status: criteria provided, single submitter. Criteria: Variantyx Assertion Criteria 2022. Collection method: clinical testing. Allele origin: germline. Inheritance: Autosomal recessive inheritance. Affected: no.
Comment: This is a nonsynonymous variant in the BTD gene (OMIM: 609019). Pathogenic variants in this gene have been associated with autosomal recessive biotinidase deficiency. This variant has been reported in the homozygous or compound heterozygous state in many unrelated affected individuals (PMID: 27657684, 9232193) (PM3). Multiple computational algorithms predict a deleterious effect for this variant (REVEL score: 0.773) (PP3). This variant has a 0.0880% maximum allele frequency in non-founder control populations (PM2). Based on the current evidence, this variant is classified as pathogenic for autosomal recessive biotinidase deficiency.No other variant of clinical significance was identified in the BTD gene.

Natera, Inc.
Classification: Pathogenic for Biotinidase deficiency. Last evaluated: 2025-12-26. Review status: criteria provided, single submitter. Criteria: Natera Variant Classification Schema (03/2026). Collection method: clinical testing. Allele origin: germline.
Comment: The c.1308A>C variant in BTD is a missense variant predicted to cause substitution of glutamine to histidine at amino acid 436. This variant is rare in the general population with a frequency below the threshold expected for the associated phenotype(s). This variant has been observed in one or more individuals affected with the associated recessive disease, as either homozygous or compound heterozygous with a second variant (PMID: 1313766). Given the available evidence, this variant is classified as Pathogenic.

ARUP Laboratories, Molecular Genetics and Genomics, ARUP Laboratories
Classification: Pathogenic for Biotinidase deficiency. Last evaluated: 2025-05-27. Review status: criteria provided, single submitter. Criteria: ARUP Molecular Germline Variant Investigation Process 2024. Collection method: clinical testing. Allele origin: germline.
Comment: The BTD c.1308A>C; p.Gln436His variant (rs80338685, c.1368A>C; p.Gln456His on NM_000060.3) is reported to be the most common cause of profound biotinidase deficiency in children ascertained by newborn screening in the United States (Norrgard 1997). This variant is reported in ClinVar (Variation ID: 1902). It is found in the general population with an overall allele frequency of 0.04% (115/282806 alleles) in the Genome Aggregation Database. The glutamine at codon 456 is highly conserved, and computational analyses (SIFT, PolyPhen-2) predict that this variant is deleterious. Additionally, the variant enzyme in the homozygous state has very low biotinyl-hydrolase activity and lacks biotinyl-transferase activity (Norrgard 1997). Based on available information, this variant is considered to be severely pathogenic. References: Norrgard KJ et al. Mutation (Q456H) is the most common cause of profound biotinidase deficiency in children ascertained by newborn screening in the United States. Biochem Mol Med. 1997 Jun;61(1):22-7.

Institute of Human Genetics, University of Leipzig Medical Center
Classification: Pathogenic for Biotinidase deficiency. Last evaluated: 2025-03-12. Review status: criteria provided, single submitter. Criteria: ACMG Guidelines, 2015. Collection method: clinical testing. Allele origin: unknown. Inheritance: Autosomal recessive inheritance. Affected: yes.
Comment: Criteria applied: PM3_VSTR,PS3_MOD,PP3

Blueprint Genetics
Classification: Pathogenic for BTD-related disorders. Last evaluated: 2024-11-14. Review status: criteria provided, single submitter. Criteria: ACMG Guidelines, 2015. Collection method: clinical testing. Allele origin: germline. Affected: yes. Observed: 5 variant alleles.

Quest Diagnostics Nichols Institute San Juan Capistrano
Classification: Pathogenic. Last evaluated: 2024-07-18. Review status: criteria provided, single submitter. Criteria: Quest Diagnostics criteria. Collection method: clinical testing. Allele origin: unknown.
Comment: The BTD c.1368A>C (p.Gln456His) variant has been reported in the published literature as the most common pathogenic variant associated with profound biotinidase deficiency (PMID: 9232193 (1997)). Individuals who are compound heterozygous for this variant and other pathogenic BTD variants, or homozygous for this variant, have been reported to be affected with partial or profound biotinidase deficiency in the published literature (PMIDs: 9232193 (1997), 9654207 (1998), 10801053 (2000), 11668630 (2001), 17185019 (2007), 22698809 (2012), 23644139 (2013), 26361991 (2015), 27329734 (2016), 27657684 (2017), 28971021 (2017), and 33312878 (2020)). In addition, a functional analysis on the effect of this variant reports decreased biotinidase activity in vitro (PMID: 29359854 (2018)). The frequency of this variant in the general population, 0.001 (12/11606 chromosomes (Genome Aggregation Database)), is uninformative in the assessment of its pathogenicity. Analysis of this variant using bioinformatics tools for the prediction of the effect of amino acid changes on protein structure and function yielded predictions that this variant is damaging. Based on the available information, this variant is classified as pathogenic.

NM_001370658.1(BTD):c.1308A>C (p.Gln436His)

Gene: BTD (biotinidase; plus strand). Cytogenetic location: 3p25.1.
Variant type: single nucleotide variant.
Coding change: c.1308A>C on transcript NM_001370658.1 (MANE Select); coding-DNA position 1308, A replaced by C.
Protein change: p.Gln436His; replaces glutamine 436 with histidine.
Molecular consequence: missense variant. On other transcripts: intron variant (8).
Genome position (GRCh38, 1-based): chr3:15,645,224, A>C. VCF-style: chr3-15645224-A-C. GRCh37 (hg19) VCF-style: chr3-15686731-A-C.
Other names: Q456H; p.Q456H:CAA>CAC; c.1368A>C, p.Gln456His (NM_000060.4); c.1308A>C, p.Gln436His (NM_001281723.4, NM_001281724.3, NM_001281725.3 and 16 more transcripts); c.1015+293A>C (NM_001370752.1, NM_001407379.1); c.399+3167A>C (NM_001370753.1, NM_001407400.1, NM_001407380.1 and 3 more transcripts); short protein forms Q436H.
Identifiers: ClinVar variation 1902 (VCV000001902.104), dbSNP rs80338685, ClinGen allele CA285304.
Genomic context (GRCh38, chr3:15,645,224, plus strand): 5'-GCTGTATGCCCTGGGGGTCTTTGATGGGCTTCACACAGTACATGGCACTTACTACATCCA[A>C]GTGTGTGCCCTGGTCAGGTGTGGGGGTCTTGGCTTCGACACCTGTGGACAGGAAATCACA-3'
Protein context (NP_001357587.1, residues 426-446): LHTVHGTYYI[Gln436His]VCALVRCGGL